The following is an entry in ClinVar:

ClinVar aggregate classification (germline): Uncertain significance (1 of 4 stars; one submission).

Allele frequency attached by ClinVar (database versions not stated): TOPMed below 0.00001.

Submission:

Labcorp Genetics (formerly Invitae), Labcorp
Classification: Uncertain significance. Last evaluated: 2023-06-09. Review status: criteria provided, single submitter. Criteria: Invitae Variant Classification Sherloc (09022015). Collection method: clinical testing. Allele origin: germline.
Comment: This sequence change replaces serine, which is neutral and polar, with leucine, which is neutral and non-polar, at codon 388 of the LZTS1 protein (p.Ser388Leu). In summary, the available evidence is currently insufficient to determine the role of this variant in disease. Therefore, it has been classified as a Variant of Uncertain Significance. Advanced modeling of protein sequence and biophysical properties (such as structural, functional, and spatial information, amino acid conservation, physicochemical variation, residue mobility, and thermodynamic stability) performed at Invitae indicates that this missense variant is expected to disrupt LZTS1 protein function. This variant has not been reported in the literature in individuals affected with LZTS1-related conditions. This variant is not present in population databases (gnomAD no frequency).

NM_021020.5(LZTS1):c.1163C>T (p.Ser388Leu)

Gene: LZTS1 (leucine zipper tumor suppressor 1; minus strand). Cytogenetic location: 8p21.3.
Variant type: single nucleotide variant.
Coding change: c.1163C>T on transcript NM_021020.5 (MANE Select); coding-DNA position 1163, C replaced by T.
Protein change: p.Ser388Leu; replaces serine 388 with leucine.
Molecular consequence: missense variant.
Genome position (GRCh38, 1-based): chr8:20,250,350, G>A on the plus strand (C>T on the coding strand, the complement: LZTS1 is on the minus strand). VCF-style: chr8-20250350-G-A. GRCh37 (hg19) VCF-style: chr8-20107861-G-A.
Other names: c.1163C>T, p.Ser388Leu (NM_001362884.2); short protein forms S388L.
Identifiers: ClinVar variation 2700271 (VCV002700271.3), dbSNP rs1799862655, ClinGen allele CA370476714.